The following is an entry in ClinVar:

ClinVar aggregate classification (germline): Uncertain significance. Review status: criteria provided, multiple submitters, no conflicts (2 of 4 stars). 2 submissions from 2 submitters: Uncertain significance (2). Last evaluated 2025-08-23.

Conditions:
Inborn genetic diseases. Identifiers: MedGen C0950123, MeSH D030342.
COG7 congenital disorder of glycosylation (CDG2E). Also called: CONGENITAL DISORDER OF GLYCOSYLATION, TYPE IIe; CDG IIe. Identifiers: Orphanet 79333, MedGen C2931010, MONDO:0012118, OMIM 608779.

gnomAD v4.1: 9 of 1,613,138 alleles (0.00056%); highest among the groups gnomAD compares: African/African-American, 0.0027%; no homozygotes.

Submissions (2):

Ambry Genetics
Classification: Uncertain significance for Inborn genetic diseases. Last evaluated: 2025-08-23. Review status: criteria provided, single submitter. Criteria: Ambry Variant Classification Scheme 2023. Collection method: clinical testing. Allele origin: germline.

Labcorp Genetics (formerly Invitae), Labcorp
Classification: Uncertain significance for COG7 congenital disorder of glycosylation. Last evaluated: 2025-06-09. Review status: criteria provided, single submitter. Criteria: Invitae Variant Classification Sherloc (09022015). Collection method: clinical testing. Allele origin: germline.
Comment: This sequence change replaces isoleucine, which is neutral and non-polar, with valine, which is neutral and non-polar, at codon 147 of the COG7 protein (p.Ile147Val). This variant is present in population databases (rs372483991, gnomAD 0.007%). This variant has not been reported in the literature in individuals affected with COG7-related conditions. Invitae Evidence Modeling of protein sequence and biophysical properties (such as structural, functional, and spatial information, amino acid conservation, physicochemical variation, residue mobility, and thermodynamic stability) indicates that this missense variant is not expected to disrupt COG7 protein function with a negative predictive value of 80%. In summary, the available evidence is currently insufficient to determine the role of this variant in disease. Therefore, it has been classified as a Variant of Uncertain Significance.

NM_153603.4(COG7):c.439A>G (p.Ile147Val)

Gene: COG7 (component of oligomeric golgi complex 7; minus strand). Cytogenetic location: 16p12.2.
Variant type: single nucleotide variant.
Coding change: c.439A>G on transcript NM_153603.4 (MANE Select); coding-DNA position 439, A replaced by G.
Protein change: p.Ile147Val; replaces isoleucine 147 with valine.
Molecular consequence: missense variant.
Genome position (GRCh38, 1-based): chr16:23,442,642, T>C on the plus strand (A>G on the coding strand, the complement: COG7 is on the minus strand). VCF-style: chr16-23442642-T-C. GRCh37 (hg19) VCF-style: chr16-23453963-T-C.
Other names: short protein forms I147V.
Identifiers: ClinVar variation 4231671 (VCV004231671.2).